The following is an entry in ClinVar:

ClinVar aggregate classification (germline): Likely benign. Review status: criteria provided, multiple submitters, no conflicts (2 of 4 stars). 6 submissions from 6 submitters: Likely benign (5). 1 of the submissions does not count toward it. Last evaluated 2026-01-06.

Conditions:
Symmetrical dyschromatosis of extremities (DSH). Also called: RETICULATE ACROPIGMENTATION OF DOHI; SYMMETRIC DYSCHROMATOSIS OF THE EXTREMITIES; DYSCHROMATOSIS SYMMETRICA HEREDITARIA 1; Dyschromatosis symmetrica hereditaria. Identifiers: Orphanet 41, MedGen C0406775, MONDO:0007483, OMIM 127400.
Aicardi-Goutieres syndrome 6 (AGS6). Identifiers: Orphanet 51, MedGen C3539013, MONDO:0014007, OMIM 615010.
ADAR-related disorder. Also called: ADAR-related condition; ADAR-related disorders.

Allele frequency attached by ClinVar (database versions not stated): gnomAD exomes 0.00008 and 0.00009; gnomAD 0.00009 and 0.00010; ExAC 0.00010; TOPMed 0.00010; ESP Exome Variant Server 0.00015.
gnomAD v4.1: 141 of 1,608,158 alleles (0.0088%); highest among the groups gnomAD compares: Non-Finnish European, 0.011%; no homozygotes.

Submissions (6):

Labcorp Genetics (formerly Invitae), Labcorp
Classification: Likely benign for Aicardi-Goutieres syndrome 6; Symmetrical dyschromatosis of extremities. Last evaluated: 2026-01-06. Review status: criteria provided, single submitter. Criteria: Invitae Variant Classification Sherloc (09022015). Collection method: clinical testing. Allele origin: germline.

Blueprint Genetics
Classification: Likely benign. Last evaluated: 2024-09-25. Review status: criteria provided, single submitter. Criteria: ACMG Guidelines, 2015. Collection method: clinical testing. Allele origin: germline.

Genome-Nilou Lab
Classification: Likely benign for Aicardi-Goutieres syndrome 6. Last evaluated: 2023-04-11. Review status: criteria provided, single submitter. Criteria: ACMG Guidelines, 2015. Collection method: clinical testing. Allele origin: germline. Affected: no.

CeGaT Center for Human Genetics Tuebingen
Classification: Likely benign. Last evaluated: 2023-04-01. Review status: criteria provided, single submitter. Criteria: CeGaT Center For Human Genetics Tuebingen Variant Classification Criteria Version 2. Collection method: clinical testing. Allele origin: germline. Affected: yes. Observed: 1 variant allele.
Comment: ADAR: BP4, BP7

Fulgent Genetics
Classification: Likely benign for Symmetrical dyschromatosis of extremities; Aicardi-Goutieres syndrome 6. Last evaluated: 2021-11-10. Review status: criteria provided, single submitter. Criteria: ACMG Guidelines, 2015. Collection method: clinical testing. Allele origin: unknown.

PreventionGenetics, part of Exact Sciences
Classification: Likely benign for ADAR-related condition. Last evaluated: 2020-03-11. Review status: no assertion criteria provided. Collection method: clinical testing. Allele origin: germline. Not counted in ClinVar's aggregate classification.
Comment: This variant is classified as likely benign based on ACMG/AMP sequence variant interpretation guidelines (Richards et al. 2015 PMID: 25741868, with internal and published modifications).

NM_001111.5(ADAR):c.222G>A (p.Arg74=)

Gene: ADAR (adenosine deaminase RNA specific; minus strand). Cytogenetic location: 1q21.3.
Variant type: single nucleotide variant.
Coding change: c.222G>A on transcript NM_001111.5 (MANE Select); coding-DNA position 222, G replaced by A.
Protein change: p.Arg74=; no amino-acid change (arginine 74 retained).
Molecular consequence: synonymous variant. On other transcripts: 5 prime UTR variant (6).
Genome position (GRCh38, 1-based): chr1:154,602,420, C>T on the plus strand (G>A on the coding strand, the complement: ADAR is on the minus strand). VCF-style: chr1-154602420-C-T. GRCh37 (hg19) VCF-style: chr1-154574896-C-T.
Other names: c.-664G>A (NM_001025107.3, NM_001193495.2, NM_001365048.1); c.249G>A, p.Arg83= (NM_001365045.1); c.-528G>A (NM_001365046.1, NM_001365047.1, NM_001365049.1); c.222G>A, p.Arg74= (NM_015840.4, NM_015841.4).
Identifiers: ClinVar variation 772126 (VCV000772126.38), dbSNP rs150423721, ClinGen allele CA1131735.